The following is an entry in ClinVar:

NM_001145026.2(PTPRQ):c.3187G>A (p.Glu1063Lys)

Gene: PTPRQ (protein tyrosine phosphatase receptor type Q; plus strand). Cytogenetic location: 12q21.31.
Variant type: single nucleotide variant.
Coding change: c.3187G>A on transcript NM_001145026.2 (MANE Select); coding-DNA position 3187, G replaced by A.
Protein change: p.Glu1063Lys; replaces glutamic acid 1063 with lysine.
Molecular consequence: missense variant.
Genome position (GRCh38, 1-based): chr12:80,541,587, G>A. VCF-style: chr12-80541587-G-A. GRCh37 (hg19) VCF-style: chr12-80935366-G-A.
Other names: short protein forms E1063K.
Identifiers: ClinVar variation 4985627 (VCV004985627.1).

ClinVar aggregate classification (germline): Likely benign (1 of 4 stars; one submission).

Conditions:
PTPRQ-related disorder. Also called: PTPRQ-related condition.

gnomAD v4.1: 214 of 1,535,628 alleles (0.014%); highest among the groups gnomAD compares: East Asian, 0.5%; 2 homozygotes.

Submission:

PreventionGenetics, part of Exact Sciences
Classification: Likely benign for PTPRQ-related condition. Last evaluated: 2026-05-28. Review status: criteria provided, single submitter. Criteria: ACMG Guidelines, 2015. Collection method: clinical testing. Allele origin: germline.
Comment: This variant is classified as likely benign based on ACMG/AMP sequence variant interpretation guidelines (Richards et al. 2015 PMID: 25741868, with internal and published modifications).